The following is an entry in ClinVar:

ClinVar aggregate classification (germline): Pathogenic (0 of 4 stars; one submission).

Conditions:
Fanconi anemia complementation group A (FANCA). Also called: Fanconi anemia, group A; FANCA-Related Fanconi Anemia. Identifiers: Orphanet 84, MedGen C3469521, MONDO:0009215, OMIM 227650.

Allele frequency attached by ClinVar (database versions not stated): TOPMed below 0.00001.

Submission:

Leiden Open Variation Database
Classification: Pathogenic for Fanconi anemia complementation group A. Last evaluated: 2020-02-28. Review status: no assertion criteria provided. Collection method: curation. Allele origin: germline. Affected: yes.
Comment: Curator: Arleen D. Auerbach. Submitter to LOVD: Johan de Winter.

Literature cited by the submitters: PubMed 17924555.

NM_000135.4(FANCA):c.1470G>A (p.Gln490=)

Gene: FANCA (FA complementation group A; minus strand). Cytogenetic location: 16q24.3.
Variant type: single nucleotide variant.
Coding change: c.1470G>A on transcript NM_000135.4 (MANE Select); coding-DNA position 1470, G replaced by A.
Protein change: p.Gln490=; no amino-acid change (glutamine 490 retained).
Molecular consequence: synonymous variant.
Genome position (GRCh38, 1-based): chr16:89,784,854, C>T on the plus strand (G>A on the coding strand, the complement: FANCA is on the minus strand). VCF-style: chr16-89784854-C-T. GRCh37 (hg19) VCF-style: chr16-89851262-C-T.
Other names: c.1470G>A, p.Gln490= (NM_001286167.3).
Identifiers: ClinVar variation 974214 (VCV000974214.1), dbSNP rs2039844218, ClinGen allele CA497191166.
Genomic context (GRCh38, chr16:89,784,854, plus strand): 5'-CTCAGATGCAGCAGGTGAGCGAAGCACCAGAAATCATGGATGTGGCAGCCAGCTTCTCAC[C>T]TGCAGGTACCGGGGAGACTCAAAAGGCACGAGTTCTGACAAGAACGTAAACAGGAAGACC-3'
Protein context (NP_000126.2, residues 480-500): LVPFESPRYL[Gln490=]VHILHPPLVP